The following is an entry in ClinVar:

ClinVar aggregate classification (germline): Uncertain significance. Review status: criteria provided, multiple submitters, no conflicts (2 of 4 stars). 2 submissions from 2 submitters: Uncertain significance (2). Last evaluated 2022-08-27.

Allele frequency attached by ClinVar (database versions not stated): gnomAD 0.00003; TOPMed 0.00005; ExAC 0.00009; 1000 Genomes Project 30x 0.00016; 1000 Genomes Project 0.00020.
gnomAD v4.1: 61 of 1,614,118 alleles (0.0038%); highest among the groups gnomAD compares: East Asian, 0.091%; no homozygotes.

Submissions (2):

Labcorp Genetics (formerly Invitae), Labcorp
Classification: Uncertain significance. Last evaluated: 2022-08-27. Review status: criteria provided, single submitter. Criteria: Invitae Variant Classification Sherloc (09022015). Collection method: clinical testing. Allele origin: germline.
Comment: In summary, the available evidence is currently insufficient to determine the role of this variant in disease. Therefore, it has been classified as a Variant of Uncertain Significance. Algorithms developed to predict the effect of missense changes on protein structure and function output the following: SIFT: "Tolerated"; PolyPhen-2: "Benign"; Align-GVGD: "Class C0". The threonine amino acid residue is found in multiple mammalian species, which suggests that this missense change does not adversely affect protein function. This variant has not been reported in the literature in individuals affected with DDB2-related conditions. This variant is present in population databases (rs139325563, gnomAD 0.07%). This sequence change replaces methionine, which is neutral and non-polar, with threonine, which is neutral and polar, at codon 230 of the DDB2 protein (p.Met230Thr).

GeneDx
Classification: Uncertain significance. Last evaluated: 2022-03-04. Review status: criteria provided, single submitter. Criteria: GeneDx Variant Classification Process June 2021. Collection method: clinical testing. Allele origin: germline. Affected: yes.
Comment: In silico analysis supports that this missense variant does not alter protein structure/function; Has not been previously published as pathogenic or benign to our knowledge

NM_000107.3(DDB2):c.689T>C (p.Met230Thr)

Gene: DDB2 (damage specific DNA binding protein 2; plus strand). Cytogenetic location: 11p11.2.
Variant type: single nucleotide variant.
Coding change: c.689T>C on transcript NM_000107.3 (MANE Select); coding-DNA position 689, T replaced by C.
Protein change: p.Met230Thr; replaces methionine 230 with threonine.
Molecular consequence: missense variant. On other transcripts: non-coding transcript variant (2), intron variant (2).
Genome position (GRCh38, 1-based): chr11:47,234,659, T>C. VCF-style: chr11-47234659-T-C. GRCh37 (hg19) VCF-style: chr11-47256210-T-C.
Other names: c.689T>C, p.Met230Thr (NM_001399874.1, NM_001399875.1); c.497T>C, p.Met166Thr (NM_001399878.1); c.457-3178T>C (NM_001399876.1, NM_001300734.2); short protein forms M166T, M230T.
Identifiers: ClinVar variation 1703966 (VCV001703966.7), dbSNP rs139325563, ClinGen allele CA5972580.